The following is an entry in ClinVar:

NM_001903.5(CTNNA1):c.2197A>G (p.Lys733Glu)

Gene: CTNNA1 (catenin alpha 1; plus strand). Cytogenetic location: 5q31.2.
Variant type: single nucleotide variant.
Coding change: c.2197A>G on transcript NM_001903.5 (MANE Select); coding-DNA position 2197, A replaced by G.
Protein change: p.Lys733Glu; replaces lysine 733 with glutamic acid.
Molecular consequence: missense variant.
Genome position (GRCh38, 1-based): chr5:138,930,834, A>G. VCF-style: chr5-138930834-A-G. GRCh37 (hg19) VCF-style: chr5-138266523-A-G.
Other names: c.2197A>G, p.Lys733Glu (NM_001290307.3, NM_001323982.2, NM_001323983.1 and 2 more transcripts); c.1888A>G, p.Lys630Glu (NM_001290309.3); c.1828A>G, p.Lys610Glu (NM_001290310.3); c.1087A>G, p.Lys363Glu (NM_001290312.1, NM_001323987.1, NM_001323988.1 and 17 more transcripts); c.2104A>G, p.Lys702Glu (NM_001323986.2); c.748A>G, p.Lys250Glu (NM_001324006.1, NM_001324007.1, NM_001324008.1 and 2 more transcripts); c.994A>G, p.Lys332Glu (NM_001324011.1); c.844A>G, p.Lys282Glu (NM_001324012.1, NM_001324013.1); short protein forms K363E, K733E, K282E, K332E, K610E, K702E, K250E, K630E.
Identifiers: ClinVar variation 1432358 (VCV001432358.11), dbSNP rs2150336847, ClinGen allele CA361133752.

ClinVar aggregate classification (germline): Uncertain significance. Review status: criteria provided, multiple submitters, no conflicts (2 of 4 stars). 2 submissions from 2 submitters: Uncertain significance (2). Last evaluated 2025-06-15.

Conditions:
Hereditary cancer-predisposing syndrome. Also called: Hereditary Cancer Syndrome; Hereditary neoplastic syndrome; Neoplastic Syndromes, Hereditary; Tumor predisposition. Identifiers: Orphanet 140162, MedGen C0027672, MeSH D009386, MONDO:0015356.

Submissions (2):

Ambry Genetics
Classification: Uncertain significance for Hereditary cancer-predisposing syndrome. Last evaluated: 2025-06-15. Review status: criteria provided, single submitter. Criteria: Ambry Variant Classification Scheme 2023. Collection method: clinical testing. Allele origin: germline.
Comment: The p.K733E variant (also known as c.2197A>G), located in coding exon 15 of the CTNNA1 gene, results from an A to G substitution at nucleotide position 2197. The lysine at codon 733 is replaced by glutamic acid, an amino acid with similar properties. This amino acid position is conserved. In addition, the in silico prediction for this alteration is inconclusive. Since supporting evidence is limited at this time, the clinical significance of this alteration remains unclear.

Labcorp Genetics (formerly Invitae), Labcorp
Classification: Uncertain significance. Last evaluated: 2023-05-13. Review status: criteria provided, single submitter. Criteria: Invitae Variant Classification Sherloc (09022015). Collection method: clinical testing. Allele origin: germline.
Comment: This variant has not been reported in the literature in individuals affected with CTNNA1-related conditions. ClinVar contains an entry for this variant (Variation ID: 1432358). Advanced modeling of protein sequence and biophysical properties (such as structural, functional, and spatial information, amino acid conservation, physicochemical variation, residue mobility, and thermodynamic stability) performed at Invitae indicates that this missense variant is not expected to disrupt CTNNA1 protein function. In summary, the available evidence is currently insufficient to determine the role of this variant in disease. Therefore, it has been classified as a Variant of Uncertain Significance. This variant is not present in population databases (gnomAD no frequency). This sequence change replaces lysine, which is basic and polar, with glutamic acid, which is acidic and polar, at codon 733 of the CTNNA1 protein (p.Lys733Glu).